The following is an entry in ClinVar:

ClinVar aggregate classification (germline): Uncertain significance (1 of 4 stars; one submission).

Conditions:
Mitochondrial hypertrophic cardiomyopathy with lactic acidosis due to MTO1 deficiency. Also called: Combined oxidative phosphorylation deficiency 10; CARDIOMYOPATHY, INFANTILE HYPERTROPHIC MITOCHONDRIAL, AND LACTIC ACIDOSIS. Identifiers: Orphanet 314637, MedGen C4749921, MONDO:0013865, OMIM 614702.

Allele frequency attached by ClinVar (database versions not stated): TOPMed below 0.00001; gnomAD 0.00001; gnomAD exomes 0.00001; ExAC 0.00003.
gnomAD v4.1: 10 of 1,605,106 alleles (0.00062%); highest among the groups gnomAD compares: East Asian, 0.0045%; no homozygotes.

Submission:

Labcorp Genetics (formerly Invitae), Labcorp
Classification: Uncertain significance for Mitochondrial hypertrophic cardiomyopathy with lactic acidosis due to MTO1 deficiency. Last evaluated: 2022-04-12. Review status: criteria provided, single submitter. Criteria: Invitae Variant Classification Sherloc (09022015). Collection method: clinical testing. Allele origin: germline.
Comment: This sequence change replaces threonine, which is neutral and polar, with methionine, which is neutral and non-polar, at codon 639 of the MTO1 protein (p.Thr639Met). This variant is present in population databases (rs772113849, gnomAD 0.02%). This variant has not been reported in the literature in individuals affected with MTO1-related conditions. In summary, the available evidence is currently insufficient to determine the role of this variant in disease. Therefore, it has been classified as a Variant of Uncertain Significance. Algorithms developed to predict the effect of missense changes on protein structure and function are either unavailable or do not agree on the potential impact of this missense change (SIFT: "Deleterious"; PolyPhen-2: "Probably Damaging"; Align-GVGD: "Class C15").

NM_012123.4(MTO1):c.1916C>T (p.Thr639Met)

Gene: MTO1 (mitochondrial tRNA translation optimization 1; plus strand). Cytogenetic location: 6q13.
Variant type: single nucleotide variant.
Coding change: c.1916C>T on transcript NM_012123.4 (MANE Select); coding-DNA position 1916, C replaced by T.
Protein change: p.Thr639Met; replaces threonine 639 with methionine.
Molecular consequence: missense variant.
Genome position (GRCh38, 1-based): chr6:73,497,895, C>T. VCF-style: chr6-73497895-C-T. GRCh37 (hg19) VCF-style: chr6-74207618-C-T.
Other names: c.2036C>T, p.Thr679Met (NM_001123226.2); c.1991C>T, p.Thr664Met (NM_133645.3); short protein forms T679M, T639M, T664M.
Identifiers: ClinVar variation 2192485 (VCV002192485.4), dbSNP rs772113849, ClinGen allele CA3889777.
Genomic context (GRCh38, chr6:73,497,895, plus strand): 5'-TCAGGGATGTGTCTTTGTCCCATGAAGTTCGAGAGAAACTACATTTTAGTCGTCCACAGA[C>T]GGTAAGAAAATAGGCAGGAGAATAGAAACAAGTTATAGATAAAGATACAGTGCTTTAATT-3'
Protein context (NP_036255.2, residues 629-649): REKLHFSRPQ[Thr639Met]IGAASRIPGV